The following is an entry in ClinVar:

NM_000815.5(GABRD):c.1319C>T (p.Ala440Val)

Gene: GABRD (gamma-aminobutyric acid type A receptor subunit delta; plus strand). Cytogenetic location: 1p36.33.
Variant type: single nucleotide variant.
Coding change: c.1319C>T on transcript NM_000815.5 (MANE Select); coding-DNA position 1319, C replaced by T.
Protein change: p.Ala440Val; replaces alanine 440 with valine.
Molecular consequence: missense variant.
Genome position (GRCh38, 1-based): chr1:2,030,242, C>T. VCF-style: chr1-2030242-C-T. GRCh37 (hg19) VCF-style: chr1-1961681-C-T.
Other names: short protein forms A440V.
Identifiers: ClinVar variation 649294 (VCV000649294.8), dbSNP rs866487320, ClinGen allele CA16892142.

ClinVar aggregate classification (germline): Uncertain significance (1 of 4 stars; one submission).

Conditions:
Idiopathic generalized epilepsy. Also called: Generalised epilepsy; EIG. Identifiers: MedGen C0270850, MONDO:0005579, OMIM 600669.

Allele frequency attached by ClinVar (database versions not stated): gnomAD below 0.00001 and 0.00001; gnomAD exomes 0.00001; TOPMed 0.00001.
gnomAD v4.1: 12 of 1,561,418 alleles (0.00077%); highest among the groups gnomAD compares: East Asian, 0.0023%; no homozygotes.

Submission:

Labcorp Genetics (formerly Invitae), Labcorp
Classification: Uncertain significance for Idiopathic generalized epilepsy. Last evaluated: 2025-10-29. Review status: criteria provided, single submitter. Criteria: Invitae Variant Classification Sherloc (09022015). Collection method: clinical testing. Allele origin: germline.
Comment: This sequence change replaces alanine, which is neutral and non-polar, with valine, which is neutral and non-polar, at codon 440 of the GABRD protein (p.Ala440Val). This variant is not present in population databases (gnomAD no frequency). This variant has not been reported in the literature in individuals affected with GABRD-related conditions. ClinVar contains an entry for this variant (Variation ID: 649294). An algorithm developed to predict the effect of missense changes on protein structure and function outputs the following: PolyPhen-2: "Benign". The valine amino acid residue is found in multiple mammalian species, which suggests that this missense change does not adversely affect protein function. In summary, the available evidence is currently insufficient to determine the role of this variant in disease. Therefore, it has been classified as a Variant of Uncertain Significance.